The following is an entry in ClinVar:

NM_017986.4(SLC52A1):c.1263T>A (p.Leu421=)

Gene: SLC52A1 (solute carrier family 52 member 1; minus strand). Cytogenetic location: 17p13.2.
Variant type: single nucleotide variant.
Coding change: c.1263T>A on transcript NM_017986.4 (MANE Select); coding-DNA position 1263, T replaced by A.
Protein change: p.Leu421=; no amino-acid change (leucine 421 retained).
Molecular consequence: synonymous variant.
Genome position (GRCh38, 1-based): chr17:5,033,041, A>T on the plus strand (T>A on the coding strand, the complement: SLC52A1 is on the minus strand). VCF-style: chr17-5033041-A-T. GRCh37 (hg19) VCF-style: chr17-4936336-A-T.
Other names: p.Leu421=; c.1263T>A (NM_001104577.1); c.1263T>A, p.Leu421= (NM_001104577.2).
Identifiers: ClinVar variation 1166171 (VCV001166171.16), dbSNP rs72822610, ClinGen allele CA8319579.

ClinVar aggregate classification (germline): Benign. Review status: criteria provided, multiple submitters, no conflicts (2 of 4 stars). 5 submissions from 5 submitters: Benign (4). 1 of the submissions does not count toward it. Last evaluated 2026-02-04.

Conditions:
Vitamin B2 deficiency. Identifiers: MedGen C0035528.
SLC52A1-related disorder. Also called: SLC52A1-related condition.

Allele frequency attached by ClinVar (database versions not stated): 1000 Genomes Project 30x 0.09853; ESP Exome Variant Server 0.14063; 1000 Genomes Project 0.10004; TOPMed 0.13097.
gnomAD v4.1: 222,046 of 1,613,508 alleles (14%); highest among the groups gnomAD compares: Non-Finnish European, 14%; 16,168 homozygotes.

Submissions (5):

Labcorp Genetics (formerly Invitae), Labcorp
Classification: Benign for Vitamin B2 deficiency. Last evaluated: 2026-02-04. Review status: criteria provided, single submitter. Criteria: Invitae Variant Classification Sherloc (09022015). Collection method: clinical testing. Allele origin: germline.

Mayo Clinic Laboratories, Mayo Clinic
Classification: Benign. Last evaluated: 2022-01-27. Review status: criteria provided, single submitter. Criteria: ACMG Guidelines, 2015. Collection method: clinical testing. Allele origin: germline. Observed: 14 variant alleles.

GeneDx
Classification: Benign. Last evaluated: 2018-07-15. Review status: criteria provided, single submitter. Criteria: GeneDx Variant Classification Process June 2021. Collection method: clinical testing. Allele origin: germline. Affected: yes.

Breakthrough Genomics
Classification: Benign. Review status: criteria provided, single submitter. Criteria: ACMG Guidelines, 2015. Collection method: not provided. Allele origin: germline. Inheritance: Autosomal dominant inheritance. Affected: yes.

PreventionGenetics, part of Exact Sciences
Classification: Benign for SLC52A1-related condition. Last evaluated: 2019-10-25. Review status: no assertion criteria provided. Collection method: clinical testing. Allele origin: germline. Not counted in ClinVar's aggregate classification.
Comment: This variant is classified as benign based on ACMG/AMP sequence variant interpretation guidelines (Richards et al. 2015 PMID: 25741868, with internal and published modifications).